The following is an entry in ClinVar:

NM_198428.3(BBS9):c.211G>C (p.Glu71Gln)

Gene: BBS9 (Bardet-Biedl syndrome 9; plus strand). Cytogenetic location: 7p14.3.
Variant type: single nucleotide variant.
Coding change: c.211G>C on transcript NM_198428.3 (MANE Select); coding-DNA position 211, G replaced by C.
Protein change: p.Glu71Gln; replaces glutamic acid 71 with glutamine.
Molecular consequence: missense variant. On other transcripts: 5 prime UTR variant (4), non-coding transcript variant (3), intron variant (2).
Genome position (GRCh38, 1-based): chr7:33,152,799, G>C. VCF-style: chr7-33152799-G-C. GRCh37 (hg19) VCF-style: chr7-33192411-G-C.
Other names: c.211G>C, p.Glu71Gln (NM_001033604.2, NM_001033605.2, NM_001348036.1 and 5 more transcripts); c.-91G>C (NM_001348037.3, NM_001348045.3); c.-67G>C (NM_001348038.3, NM_001348039.3); c.76G>C, p.Glu26Gln (NM_001348042.3); c.-39+22758G>C (NM_001348046.3, NM_001348044.3); short protein forms E26Q, E71Q.
Identifiers: ClinVar variation 3347433 (VCV003347433.1).

ClinVar aggregate classification (germline): Uncertain significance (0 of 4 stars; one submission).

Conditions:
BBS9-related disorder. Also called: BBS9-related condition.

gnomAD v4.1: 3 of 1,613,774 alleles (0.00019%); highest among the groups gnomAD compares: African/African-American, 0.004%; no homozygotes.

Submission:

PreventionGenetics, part of Exact Sciences
Classification: Uncertain significance for BBS9-related condition. Last evaluated: 2024-08-09. Review status: no assertion criteria provided. Collection method: clinical testing. Allele origin: germline.
Comment: The BBS9 c.211G>C variant is predicted to result in the amino acid substitution p.Glu71Gln. To our knowledge, this variant has not been reported in the literature. This variant is reported in 0.0062% of alleles in individuals of African descent in gnomAD. At this time, the clinical significance of this variant is uncertain due to the absence of conclusive functional and genetic evidence.